The following is an entry in ClinVar:

ClinVar aggregate classification (germline): Uncertain significance (1 of 4 stars; one submission).

Conditions:
Ehlers-Danlos syndrome, classic type, 1 (EDSCL1). Also called: EHLERS-DANLOS SYNDROME, GRAVIS TYPE; EHLERS-DANLOS SYNDROME, SEVERE CLASSIC TYPE; Ehlers-Danlos Syndrome, Classic Type, COL5A1-Related; EDS I; Ehlers-Danlos syndrome, type 1. Identifiers: MedGen C0268335, MONDO:0019567, OMIM 130000.

Submission:

Labcorp Genetics (formerly Invitae), Labcorp
Classification: Uncertain significance for Ehlers-Danlos syndrome, classic type, 1. Last evaluated: 2016-11-30. Review status: criteria provided, single submitter. Criteria: Invitae Variant Classification Sherloc (09022015). Collection method: clinical testing. Allele origin: germline.
Comment: Algorithms developed to predict the effect of missense changes on protein structure and function do not agree on the potential impact of this missense change (SIFT: "Deleterious"; PolyPhen-2: "Probably Damaging"; Align-GVGD: "Class C0"). In summary, this variant is a novel missense change with uncertain impact on protein function. It has been classified as a Variant of Uncertain Significance. This variant is not present in population databases (ExAC no frequency) and has not been reported in the literature in individuals with a COL5A1-related disease. This sequence change replaces glutamic acid with lysine at codon 1499 of the COL5A1 protein (p.Glu1499Lys). The glutamic acid residue is highly conserved and there is a small physicochemical difference between glutamic acid and lysine.

NM_000093.5(COL5A1):c.4495G>A (p.Glu1499Lys)

Genes: COL5A1 (collagen type V alpha 1 chain; plus strand), LOC101448202 (uncharacterized LOC101448202; minus strand). Cytogenetic location: 9q34.3.
Variant type: single nucleotide variant.
Coding change: c.4495G>A on transcript NM_000093.5 (MANE Select); coding-DNA position 4495, G replaced by A.
Protein change: p.Glu1499Lys; replaces glutamic acid 1499 with lysine.
Molecular consequence: missense variant. On other transcripts: non-coding transcript variant (1).
Genome position (GRCh38, 1-based): chr9:134,820,164, G>A. VCF-style: chr9-134820164-G-A. GRCh37 (hg19) VCF-style: chr9-137712010-G-A.
Other names: c.4495G>A, p.Glu1499Lys (NM_001278074.1); short protein forms E1499K.
Identifiers: ClinVar variation 409117 (VCV000409117.10), dbSNP rs1060502261, ClinGen allele CA16612683.